The following is an entry in ClinVar:

ClinVar aggregate classification (germline): Uncertain significance. Review status: criteria provided, multiple submitters, no conflicts (2 of 4 stars). 4 submissions from 4 submitters: Uncertain significance (3). 1 of the submissions does not count toward it. Last evaluated 2026-01-04.

Conditions:
FASN-related disorder. Also called: FASN-related condition.
Epileptic encephalopathy. Identifiers: MedGen C0543888, HP:0200134.

Allele frequency attached by ClinVar (database versions not stated): gnomAD exomes 0.00005; gnomAD 0.00010 and 0.00011; TOPMed 0.00015; ExAC 0.00016.
gnomAD v4.1: 43 of 1,572,290 alleles (0.0027%); highest among the groups gnomAD compares: Admixed American, 0.028%; no homozygotes.

Submissions (4):

Labcorp Genetics (formerly Invitae), Labcorp
Classification: Uncertain significance for Epileptic encephalopathy. Last evaluated: 2026-01-04. Review status: criteria provided, single submitter. Criteria: Invitae Variant Classification Sherloc (09022015). Collection method: clinical testing. Allele origin: germline.
Comment: This sequence change replaces alanine, which is neutral and non-polar, with serine, which is neutral and polar, at codon 342 of the FASN protein (p.Ala342Ser). This variant is present in population databases (rs760665615, gnomAD 0.03%). This variant has not been reported in the literature in individuals affected with FASN-related conditions. ClinVar contains an entry for this variant (Variation ID: 575765). An algorithm developed to predict the effect of missense changes on protein structure and function outputs the following: PolyPhen-2: "Possibly Damaging". The serine amino acid residue is found in multiple mammalian species, which suggests that this missense change does not adversely affect protein function. In summary, the available evidence is currently insufficient to determine the role of this variant in disease. Therefore, it has been classified as a Variant of Uncertain Significance.

Ambry Genetics
Classification: Uncertain significance. Last evaluated: 2023-10-05. Review status: criteria provided, single submitter. Criteria: Ambry Variant Classification Scheme 2023. Collection method: clinical testing. Allele origin: germline.

Fulgent Genetics
Classification: Uncertain significance for Epileptic encephalopathy. Last evaluated: 2018-10-31. Review status: criteria provided, single submitter. Criteria: ACMG Guidelines, 2015. Collection method: clinical testing. Allele origin: unknown.

PreventionGenetics, part of Exact Sciences
Classification: Uncertain significance for FASN-related condition. Last evaluated: 2024-06-25. Review status: no assertion criteria provided. Collection method: clinical testing. Allele origin: germline. Not counted in ClinVar's aggregate classification.
Comment: The FASN c.1024G>T variant is predicted to result in the amino acid substitution p.Ala342Ser. To our knowledge, this variant has not been reported in the literature. This variant is reported in 0.025% of alleles in individuals of Latino descent in gnomAD. At this time, the clinical significance of this variant is uncertain due to the absence of conclusive functional and genetic evidence.

NM_004104.5(FASN):c.1024G>T (p.Ala342Ser)

Gene: FASN (fatty acid synthase; minus strand). Cytogenetic location: 17q25.3.
Variant type: single nucleotide variant.
Coding change: c.1024G>T on transcript NM_004104.5 (MANE Select); coding-DNA position 1024, G replaced by T.
Protein change: p.Ala342Ser; replaces alanine 342 with serine.
Molecular consequence: missense variant.
Genome position (GRCh38, 1-based): chr17:82,092,460, C>A on the plus strand (G>T on the coding strand, the complement: FASN is on the minus strand). VCF-style: chr17-82092460-C-A. GRCh37 (hg19) VCF-style: chr17-80050336-C-A.
Other names: short protein forms A342S.
Identifiers: ClinVar variation 575765 (VCV000575765.11), dbSNP rs760665615, ClinGen allele CA8853280.